The following is an entry in ClinVar:

ClinVar aggregate classification (germline): Conflicting classifications of pathogenicity. Review status: criteria provided, conflicting classifications (1 of 4 stars). 13 submissions from 13 submitters: Uncertain significance (11); Likely benign (1). 1 of the submissions does not count toward it. Last evaluated 2025-09-16.

Conditions:
STK11-related disorder. Also called: STK11-related condition.
Hereditary cancer-predisposing syndrome. Also called: Neoplastic Syndromes, Hereditary; Tumor predisposition; Hereditary neoplastic syndrome; Hereditary Cancer Syndrome. Identifiers: Orphanet 140162, MedGen C0027672, MeSH D009386, MONDO:0015356.
Hepatoblastoma. Identifiers: Orphanet 449, MedGen C0206624, MONDO:0018666, HP:0002884.
Peutz-Jeghers syndrome (PJS). Also called: Peutz-Jeghers polyposis; Periorificial lentiginosis syndrome; POLYPOSIS, HAMARTOMATOUS INTESTINAL; POLYPS-AND-SPOTS SYNDROME. Identifiers: Orphanet 2869, MedGen C0031269, MeSH D010580, MONDO:0008280, OMIM 175200.

Allele frequency attached by ClinVar (database versions not stated): gnomAD 0.00001; TOPMed 0.00002; ExAC 0.00009; 1000 Genomes Project 0.00040; 1000 Genomes Project 30x 0.00047.

Submissions (13):

Labcorp Genetics (formerly Invitae), Labcorp
Classification: Uncertain significance for Peutz-Jeghers syndrome. Last evaluated: 2025-09-16. Review status: criteria provided, single submitter. Criteria: Invitae Variant Classification Sherloc (09022015). Collection method: clinical testing. Allele origin: germline.
Comment: This sequence change replaces valine, which is neutral and non-polar, with methionine, which is neutral and non-polar, at codon 133 of the STK11 protein (p.Val133Met). The frequency data for this variant in the population databases is considered unreliable, as metrics indicate poor data quality at this position in the gnomAD database. This variant has not been reported in the literature in individuals affected with STK11-related conditions. ClinVar contains an entry for this variant (Variation ID: 182906). Invitae Evidence Modeling of protein sequence and biophysical properties (such as structural, functional, and spatial information, amino acid conservation, physicochemical variation, residue mobility, and thermodynamic stability) has been performed for this missense variant. However, the output from this modeling did not meet the statistical confidence thresholds required to predict the impact of this variant on STK11 protein function. In summary, the available evidence is currently insufficient to determine the role of this variant in disease. Therefore, it has been classified as a Variant of Uncertain Significance.

PreventionGenetics, part of Exact Sciences
Classification: Uncertain significance for STK11-related condition. Last evaluated: 2025-02-24. Review status: criteria provided, single submitter. Criteria: ACMG Guidelines, 2015. Collection method: clinical testing. Allele origin: germline.
Comment: The STK11 c.397G>A variant is predicted to result in the amino acid substitution p.Val133Met. To our knowledge, this variant has not been reported in the literature. This variant is reported in 0.015% of alleles in individuals of South Asian descent in gnomAD. This variant has interpretations ranging from likely benign to uncertain significance in ClinVar. At this time, the clinical significance of this variant is uncertain due to the absence of conclusive functional and genetic evidence.

All of Us Research Program, National Institutes of Health
Classification: Uncertain significance for Peutz-Jeghers syndrome. Last evaluated: 2024-05-14. Review status: criteria provided, single submitter. Criteria: ACMG Guidelines, 2015. Collection method: clinical testing. Allele origin: germline. Inheritance: Autosomal dominant inheritance. Observed: 1 variant allele, 1 heterozygote.
Comment: This missense variant replaces valine with methionine at codon 133 of the STK11 protein. Computational prediction is inconclusive regarding the impact of this variant on protein structure and function. To our knowledge, functional studies have not been reported for this variant. This variant has not been reported in individuals affected with STK11-related disorders in the literature. This variant has not been identified in the general population by the Genome Aggregation Database (gnomAD). The available evidence is insufficient to determine the role of this variant in disease conclusively. Therefore, this variant is classified as a Variant of Uncertain Significance.

This study involves interpretation of variants in research participants for the purpose of population health screening. Participant phenotype was not available at the time of variant classification. Additional details can be found in publication PMID: 35346344, PMCID: PMC8962531

Color Diagnostics, LLC DBA Color Health
Classification: Uncertain significance for Hereditary cancer-predisposing syndrome. Last evaluated: 2024-04-23. Review status: criteria provided, single submitter. Criteria: ACMG Guidelines, 2015. Collection method: clinical testing. Allele origin: germline.
Comment: This missense variant replaces valine with methionine at codon 133 of the STK11 protein. Computational prediction is inconclusive regarding the impact of this variant on protein structure and function. To our knowledge, functional studies have not been reported for this variant. This variant has not been reported in individuals affected with STK11-related disorders in the literature. This variant has not been identified in the general population by the Genome Aggregation Database (gnomAD). The available evidence is insufficient to determine the role of this variant in disease conclusively. Therefore, this variant is classified as a Variant of Uncertain Significance.

Mayo Clinic Laboratories, Mayo Clinic
Classification: Uncertain significance. Last evaluated: 2023-08-16. Review status: criteria provided, single submitter. Criteria: ACMG Guidelines, 2015. Collection method: clinical testing. Allele origin: germline. Observed: 1 variant allele.
Comment: BS1

Myriad Genetics, Inc.
Classification: Uncertain significance for Peutz-Jeghers syndrome. Last evaluated: 2023-04-13. Review status: criteria provided, single submitter. Criteria: Myriad Autosomal Dominant, Autosomal Recessive and X-Linked Classification Criteria (2023). Collection method: clinical testing. Allele origin: unknown.
Comment: This variant is classified as a variant of uncertain significance as there is insufficient evidence to determine its impact on protein function and/or cancer risk.

Ambry Genetics
Classification: Likely benign for Hereditary cancer-predisposing syndrome. Last evaluated: 2022-03-02. Review status: criteria provided, single submitter. Criteria: Ambry Variant Classification Scheme 2023. Collection method: clinical testing. Allele origin: germline.

Sema4
Classification: Uncertain significance for Hereditary cancer-predisposing syndrome. Last evaluated: 2022-01-25. Review status: criteria provided, single submitter. Criteria: Sema4 Curation Guidelines. Collection method: curation. Allele origin: germline.
Comment: The STK11 c.397G>A (p.V133M) variant has not been reported in the individuals with STK11-related disease. It was observed in 4/26626 chromosomes in the South Asian subpopulation according to the Genome Aggregation Database (PMID: 32461654). This variant has been reported in ClinVar (Variation ID: 182906). Functional studies have not been performed, and in silico predictions of the variant's effect on protein function are inconclusive. The evidence is insufficient to meet ACMG/AMP criteria for classifying the variant as benign or pathogenic. Thus, the clinical significance of this variant is currently uncertain.

Genome-Nilou Lab
Classification: Uncertain significance for Peutz-Jeghers syndrome. Last evaluated: 2021-07-15. Review status: criteria provided, single submitter. Criteria: ACMG Guidelines, 2015. Collection method: clinical testing. Allele origin: germline. Affected: no.

Women's Health and Genetics/Laboratory Corporation of America, LabCorp
Classification: Uncertain significance. Last evaluated: 2017-11-09. Review status: criteria provided, single submitter. Criteria: LabCorp Variant Classification Summary - May 2015. Collection method: clinical testing. Allele origin: germline.
Comment: Variant summary: The c.397G>A (p.Val133Met) in STK11 gene is a missense variant involves a non-conserved nucleotide and 3/4 in silico tools predict deleterious outcome. The variant is located within ATP binding site on conserved domain STKc_LKB1, however no functional studies confirming an effect of this change on the protein function were published at the time of evaluation. The variant is present in the control population dataset of ExAC and gnomAD (9.459e-05; 4/ 42290 and 0.000023; 5/215188 chrs tested, respectively with a note, that this is low quality site). The observed frequencies exceed the maximum expected allele frequency for a pathogenic variant of 0.00001, suggesting that the variant may represent a benign polymorphism. The variant has not, to our knowledge, been reported in affected individuals via published reports but is cited as VUS by reputable databases/clinical laboratories. Due to the low quality of coverage in the general population datasents and a possibility of the variant call being deriven from a pseudogene, the variant was classified as VUS-Possibly Normal, until new information becomes available.

St. Jude Molecular Pathology, St. Jude Children's Research Hospital
Classification: Uncertain significance for Hepatoblastoma. Last evaluated: 2016-12-05. Review status: criteria provided, single submitter. Criteria: ACMG Guidelines, 2015. Collection method: clinical testing. Allele origin: germline. Affected: yes.

GeneDx
Classification: Uncertain significance. Last evaluated: 2014-07-02. Review status: criteria provided, single submitter. Criteria: GeneDx Variant Classification (06012015). Collection method: clinical testing. Allele origin: germline. Affected: yes.
Comment: This variant is denoted STK11 c.397G>A at the cDNA level, p.Val133Met (V133M) at the protein level, and results in the change of a Valine to a Methionine (GTG>ATG). This variant has not, to our knowledge, been published in the literature as pathogenic or benign. STK11 Val133Met was not observed in approximately 6,500 individuals of European and African American ancestry in the NHLBI Exome Sequencing Project, indicating it is not a common benign variant in these populations. Since Valine and Methionine share similar properties, this is considered a conservative amino acid substitution. STK11 Val133Met occurs at a position that is highly conserved through vertebrates and is located in the protein kinase domain (UniProt) and in the site of catalysis (Hearle 2006). In silico analyses are inconsistent regarding the effect this variant may have on protein structure and function. Based on currently available information, it is unclear whether STK11 Val133Met is pathogenic or benign. We consider it to be a variant of uncertain significance.

Counsyl
Classification: Uncertain significance for Peutz-Jeghers syndrome. Last evaluated: 2015-12-16. Review status: no assertion criteria provided. Collection method: clinical testing. Allele origin: unknown. Not counted in ClinVar's aggregate classification.

NM_000455.5(STK11):c.397G>A (p.Val133Met)

Gene: STK11 (serine/threonine kinase 11; plus strand). Cytogenetic location: 19p13.3.
Variant type: single nucleotide variant.
Coding change: c.397G>A on transcript NM_000455.5 (MANE Select); coding-DNA position 397, G replaced by A.
Protein change: p.Val133Met; replaces valine 133 with methionine.
Molecular consequence: missense variant.
Genome position (GRCh38, 1-based): chr19:1,219,346, G>A. VCF-style: chr19-1219346-G-A. GRCh37 (hg19) VCF-style: chr19-1219345-G-A.
Other names: p.V133M:GTG>ATG; p.Val133Met; short protein forms V133M.
Identifiers: ClinVar variation 182906 (VCV000182906.30), dbSNP rs567769257, ClinGen allele CA022888.